The following is an entry in ClinVar:

ClinVar aggregate classification (germline): Uncertain significance (1 of 4 stars; one submission).

Conditions:
Cardiovascular phenotype. Identifiers: MedGen CN230736.

Submission:

Ambry Genetics
Classification: Uncertain significance for Cardiovascular phenotype. Last evaluated: 2025-07-30. Review status: criteria provided, single submitter. Criteria: Ambry Variant Classification Scheme 2023. Collection method: clinical testing. Allele origin: germline.
Comment: The p.K973N variant (also known as c.2919G>T), located in coding exon 17 of the EPHB4 gene, results from a G to T substitution at nucleotide position 2919. The lysine at codon 973 is replaced by asparagine, an amino acid with similar properties. This amino acid position is conserved. In addition, this alteration is predicted to be tolerated by in silico analysis. Based on the available evidence, the clinical significance of this variant remains unclear.

NM_004444.5(EPHB4):c.2919G>T (p.Lys973Asn)

Gene: EPHB4 (EPH receptor B4; minus strand). Cytogenetic location: 7q22.1.
Variant type: single nucleotide variant.
Coding change: c.2919G>T on transcript NM_004444.5 (MANE Select); coding-DNA position 2919, G replaced by T.
Protein change: p.Lys973Asn; replaces lysine 973 with asparagine.
Molecular consequence: missense variant.
Genome position (GRCh38, 1-based): chr7:100,803,506, C>A on the plus strand (G>T on the coding strand, the complement: EPHB4 is on the minus strand). VCF-style: chr7-100803506-C-A. GRCh37 (hg19) VCF-style: chr7-100401128-C-A.
Other names: short protein forms K973N.
Identifiers: ClinVar variation 4249965 (VCV004249965.1).